The following is an entry in ClinVar:

NM_033026.6(PCLO):c.11098A>C (p.Thr3700Pro)

Gene: PCLO (piccolo presynaptic cytomatrix protein; minus strand). Cytogenetic location: 7q21.11.
Variant type: single nucleotide variant.
Coding change: c.11098A>C on transcript NM_033026.6 (MANE Select); coding-DNA position 11098, A replaced by C.
Protein change: p.Thr3700Pro; replaces threonine 3700 with proline.
Molecular consequence: missense variant.
Genome position (GRCh38, 1-based): chr7:82,949,490, T>G on the plus strand (A>C on the coding strand, the complement: PCLO is on the minus strand). VCF-style: chr7-82949490-T-G. GRCh37 (hg19) VCF-style: chr7-82578806-T-G.
Other names: c.11098A>C, p.Thr3700Pro (NM_014510.3); c.11098A>C (NM_033026.5); short protein forms T3700P.
Identifiers: ClinVar variation 1471771 (VCV001471771.7), dbSNP rs1007035684, ClinGen allele CA161141121.

ClinVar aggregate classification (germline): Uncertain significance. Review status: criteria provided, multiple submitters, no conflicts (2 of 4 stars). 2 submissions from 2 submitters: Uncertain significance (2). Last evaluated 2024-06-19.

Conditions:
Inborn genetic diseases. Identifiers: MedGen C0950123, MeSH D030342.

Allele frequency attached by ClinVar (database versions not stated): gnomAD exomes below 0.00001; gnomAD 0.00001; TOPMed 0.00002.
gnomAD v4.1: 3 of 1,603,550 alleles (0.00019%); highest among the groups gnomAD compares: African/African-American, 0.004%; no homozygotes.

Submissions (2):

Labcorp Genetics (formerly Invitae), Labcorp
Classification: Uncertain significance. Last evaluated: 2024-06-19. Review status: criteria provided, single submitter. Criteria: Invitae Variant Classification Sherloc (09022015). Collection method: clinical testing. Allele origin: germline.
Comment: This sequence change replaces threonine, which is neutral and polar, with proline, which is neutral and non-polar, at codon 3700 of the PCLO protein (p.Thr3700Pro). This variant is not present in population databases (gnomAD no frequency). This variant has not been reported in the literature in individuals affected with PCLO-related conditions. ClinVar contains an entry for this variant (Variation ID: 1471771). Experimental studies and prediction algorithms are not available or were not evaluated, and the functional significance of this variant is currently unknown. In summary, the available evidence is currently insufficient to determine the role of this variant in disease. Therefore, it has been classified as a Variant of Uncertain Significance.

Ambry Genetics
Classification: Uncertain significance for Inborn genetic diseases. Last evaluated: 2022-01-03. Review status: criteria provided, single submitter. Criteria: Ambry Variant Classification Scheme 2023. Collection method: clinical testing. Allele origin: germline.